The following is an entry in ClinVar:

NM_021098.3(CACNA1H):c.3155-64T>C

Gene: CACNA1H (calcium voltage-gated channel subunit alpha1 H; plus strand). Cytogenetic location: 16p13.3.
Variant type: single nucleotide variant.
Coding change: c.3155-64T>C on transcript NM_021098.3 (MANE Select); 64 bases into the intron before coding-DNA position 3155, T replaced by C.
Molecular consequence: intron variant.
Genome position (GRCh38, 1-based): chr16:1,207,949, T>C. VCF-style: chr16-1207949-T-C. GRCh37 (hg19) VCF-style: chr16-1257949-T-C.
Other names: c.3155-64T>C (NM_001005407.2).
Identifiers: ClinVar variation 1706806 (VCV001706806.2), dbSNP rs186170156, ClinGen allele CA276661626.

ClinVar aggregate classification (germline): Likely benign (1 of 4 stars; one submission).

Allele frequency attached by ClinVar (database versions not stated): gnomAD exomes 0.00037; 1000 Genomes Project 0.00300; 1000 Genomes Project 30x 0.00344; gnomAD 0.00387; TOPMed 0.00422.
gnomAD v4.1: 1,120 of 1,544,010 alleles (0.073%); highest among the groups gnomAD compares: African/African-American, 1.4%; 9 homozygotes.

Submission:

GeneDx
Classification: Likely benign. Last evaluated: 2020-06-16. Review status: criteria provided, single submitter. Criteria: GeneDx Variant Classification Process June 2021. Collection method: clinical testing. Allele origin: germline. Affected: yes.
Comment: See Variant Classification Assertion Criteria.